The following is an entry in ClinVar:

NM_001080449.3(DNA2):c.1289C>T (p.Thr430Ile)

Gene: DNA2 (DNA replication helicase/nuclease 2; minus strand). Cytogenetic location: 10q21.3.
Variant type: single nucleotide variant.
Coding change: c.1289C>T on transcript NM_001080449.3 (MANE Select); coding-DNA position 1289, C replaced by T.
Protein change: p.Thr430Ile; replaces threonine 430 with isoleucine.
Molecular consequence: missense variant. On other transcripts: non-coding transcript variant (1).
Genome position (GRCh38, 1-based): chr10:68,443,043, G>A on the plus strand (C>T on the coding strand, the complement: DNA2 is on the minus strand). VCF-style: chr10-68443043-G-A. GRCh37 (hg19) VCF-style: chr10-70202800-G-A.
Other names: c.1289C>T (NM_001080449.2); short protein forms T430I.
Identifiers: ClinVar variation 2691496 (VCV002691496.24), dbSNP rs1372830778, ClinGen allele CA376862070.

ClinVar aggregate classification (germline): Uncertain significance. Review status: criteria provided, multiple submitters, no conflicts (2 of 4 stars). 3 submissions from 3 submitters: Uncertain significance (3). Last evaluated 2025-09-01.

Conditions:
Inborn genetic diseases. Identifiers: MedGen C0950123, MeSH D030342.

Allele frequency attached by ClinVar (database versions not stated): TOPMed 0.00001; gnomAD 0.00002; gnomAD exomes 0.00002.

Submissions (3):

Ambry Genetics
Classification: Uncertain significance for Inborn genetic diseases. Last evaluated: 2025-09-01. Review status: criteria provided, single submitter. Criteria: Ambry Variant Classification Scheme 2023. Collection method: clinical testing. Allele origin: germline.

CeGaT Center for Human Genetics Tuebingen
Classification: Uncertain significance. Last evaluated: 2024-10-01. Review status: criteria provided, single submitter. Criteria: CeGaT Center For Human Genetics Tuebingen Variant Classification Criteria Version 2. Collection method: clinical testing. Allele origin: germline. Affected: yes. Observed: 2 variant alleles.

Women's Health and Genetics/Laboratory Corporation of America, LabCorp
Classification: Uncertain significance. Last evaluated: 2023-12-07. Review status: criteria provided, single submitter. Criteria: LabCorp Variant Classification Summary - May 2015. Collection method: clinical testing. Allele origin: germline.
Comment: Variant summary: DNA2 c.1289C>T (p.Thr430Ile) results in a non-conservative amino acid change in the encoded protein sequence. Three of five in-silico tools predict a damaging effect of the variant on protein function. The variant was absent in 219516 control chromosomes. The available data on variant occurrences in the general population are insufficient to allow any conclusion about variant significance. To our knowledge, no occurrence of c.1289C>T in individuals affected with Progressive External Ophthalmoplegia With Mitochondrial DNA Deletions, Autosomal Dominant 6 and no experimental evidence demonstrating its impact on protein function have been reported. No submitters have cited clinical-significance assessments for this variant to ClinVar after 2014. Based on the evidence outlined above, the variant was classified as uncertain significance.